The following is an entry in ClinVar:

NM_017534.6(MYH2):c.425C>G (p.Ala142Gly)

Genes: MYH2 (myosin heavy chain 2; minus strand), MYHAS (myosin heavy chain gene cluster antisense RNA; plus strand). Cytogenetic location: 17p13.1.
Variant type: single nucleotide variant.
Coding change: c.425C>G on transcript NM_017534.6 (MANE Select); coding-DNA position 425, C replaced by G.
Protein change: p.Ala142Gly; replaces alanine 142 with glycine.
Molecular consequence: missense variant.
Genome position (GRCh38, 1-based): chr17:10,545,426, G>C on the plus strand (C>G on the coding strand, the complement: MYH2 is on the minus strand). VCF-style: chr17-10545426-G-C. GRCh37 (hg19) VCF-style: chr17-10448743-G-C.
Other names: c.425C>G, p.Ala142Gly (NM_001100112.2); short protein forms A142G.
Identifiers: ClinVar variation 964282 (VCV000964282.4), dbSNP rs766305131, ClinGen allele CA8391647.

ClinVar aggregate classification (germline): Uncertain significance (1 of 4 stars; one submission).

Conditions:
Myopathy, proximal, and ophthalmoplegia (CMYO6). Also called: INCLUSION BODY MYOPATHY 3, AUTOSOMAL DOMINANT; CONGENITAL MYOPATHY 6 WITH OPHTHALMOPLEGIA; MYOPATHY WITH CONGENITAL JOINT CONTRACTURES, OPHTHALMOPLEGIA, AND RIMMED VACUOLES. Identifiers: Orphanet 363677, Orphanet 79091, MedGen C1854106, MONDO:0011577, OMIM 605637.

Allele frequency attached by ClinVar (database versions not stated): gnomAD exomes 0.00002; ExAC 0.00003.
gnomAD v4.1: 12 of 1,614,028 alleles (0.00074%); highest among the groups gnomAD compares: Middle Eastern, 0.017%; no homozygotes.

Submission:

Labcorp Genetics (formerly Invitae), Labcorp
Classification: Uncertain significance for Myopathy, proximal, and ophthalmoplegia. Last evaluated: 2022-10-18. Review status: criteria provided, single submitter. Criteria: Invitae Variant Classification Sherloc (09022015). Collection method: clinical testing. Allele origin: germline.
Comment: This variant is present in population databases (rs766305131, gnomAD 0.02%). This sequence change replaces alanine, which is neutral and non-polar, with glycine, which is neutral and non-polar, at codon 142 of the MYH2 protein (p.Ala142Gly). This variant has not been reported in the literature in individuals affected with MYH2-related conditions. ClinVar contains an entry for this variant (Variation ID: 964282). Advanced modeling of protein sequence and biophysical properties (such as structural, functional, and spatial information, amino acid conservation, physicochemical variation, residue mobility, and thermodynamic stability) performed at Invitae indicates that this missense variant is not expected to disrupt MYH2 protein function. In summary, the available evidence is currently insufficient to determine the role of this variant in disease. Therefore, it has been classified as a Variant of Uncertain Significance.